The following is an entry in ClinVar:

NM_182914.3(SYNE2):c.2330G>T (p.Gly777Val)

Gene: SYNE2 (spectrin repeat containing nuclear envelope protein 2; plus strand). Cytogenetic location: 14q23.2.
Variant type: single nucleotide variant.
Coding change: c.2330G>T on transcript NM_182914.3 (MANE Select); coding-DNA position 2330, G replaced by T.
Protein change: p.Gly777Val; replaces glycine 777 with valine.
Molecular consequence: missense variant.
Genome position (GRCh38, 1-based): chr14:63,990,427, G>T. VCF-style: chr14-63990427-G-T. GRCh37 (hg19) VCF-style: chr14-64457145-G-T.
Other names: c.2330G>T, p.Gly777Val (NM_015180.6); short protein forms G777V.
Identifiers: ClinVar variation 3677405 (VCV003677405.2).
Genomic context (GRCh38, chr14:63,990,427, plus strand): 5'-AATCAGAATGTTTATTGTGATCTCACTTCAATTTGTTTTAATAGCATCTTATTGCCAAAG[G>T]CTCTATGTTTGATGAGCTTATGGCAAGAAGTGAAGATATGTTACAAATGGATATACAAAA-3'
Protein context (NP_878918.2, residues 767-787): EESLKHLIAK[Gly777Val]SMFDELMARS

ClinVar aggregate classification (germline): Uncertain significance (1 of 4 stars; one submission).

Conditions:
Emery-Dreifuss muscular dystrophy 5, autosomal dominant (EDMD5). Also called: EMERY-DREIFUSS MUSCULAR DYSTROPHY 5. Identifiers: Orphanet 261, MedGen C2751805, MONDO:0013072, OMIM 612999.

gnomAD v4.1: 1 of 1,613,034 alleles (0.000062%); highest among the groups gnomAD compares: Non-Finnish European, 0.000085%; no homozygotes.

Submission:

Labcorp Genetics (formerly Invitae), Labcorp
Classification: Uncertain significance for Emery-Dreifuss muscular dystrophy 5, autosomal dominant. Last evaluated: 2024-11-21. Review status: criteria provided, single submitter. Criteria: Invitae Variant Classification Sherloc (09022015). Collection method: clinical testing. Allele origin: germline.
Comment: This sequence change replaces glycine, which is neutral and non-polar, with valine, which is neutral and non-polar, at codon 777 of the SYNE2 protein (p.Gly777Val). This variant is present in population databases (rs763709769, gnomAD 0.002%). This variant has not been reported in the literature in individuals affected with SYNE2-related conditions. An algorithm developed to predict the effect of missense changes on protein structure and function (PolyPhen-2) suggests that this variant is likely to be disruptive. In summary, the available evidence is currently insufficient to determine the role of this variant in disease. Therefore, it has been classified as a Variant of Uncertain Significance.